The following is an entry in ClinVar:

ClinVar aggregate classification (germline): Uncertain significance (1 of 4 stars; one submission).

Conditions:
Osteogenesis imperfecta type I (OI1). Also called: Lobstein disease; OI, TYPE I; OSTEOGENESIS IMPERFECTA TARDA; OSTEOGENESIS IMPERFECTA WITH BLUE SCLERAE; Osteogenesis imperfecta type 1; Lobstein's Disease. Identifiers: Orphanet 216796, Orphanet 666, MedGen C0023931, MONDO:0008146, OMIM 166200. Disease mechanism: loss of function.
Ehlers-Danlos syndrome, classic type, 1 (EDSCL1). Also called: EDS I; EHLERS-DANLOS SYNDROME, GRAVIS TYPE; EHLERS-DANLOS SYNDROME, SEVERE CLASSIC TYPE; Ehlers-Danlos syndrome, type 1; Ehlers-Danlos Syndrome, Classic Type, COL5A1-Related. Identifiers: MedGen C0268335, MONDO:0019567, OMIM 130000.

Allele frequency attached by ClinVar (database versions not stated): ExAC 0.00001.

Submission:

Labcorp Genetics (formerly Invitae), Labcorp
Classification: Uncertain significance for Osteogenesis imperfecta type I; Ehlers-Danlos syndrome, classic type, 1. Last evaluated: 2023-01-09. Review status: criteria provided, single submitter. Criteria: Invitae Variant Classification Sherloc (09022015). Collection method: clinical testing. Allele origin: germline.
Comment: In summary, the available evidence is currently insufficient to determine the role of this variant in disease. Therefore, it has been classified as a Variant of Uncertain Significance. Advanced modeling of protein sequence and biophysical properties (such as structural, functional, and spatial information, amino acid conservation, physicochemical variation, residue mobility, and thermodynamic stability) performed at Invitae indicates that this missense variant is not expected to disrupt COL1A2 protein function. This variant has not been reported in the literature in individuals affected with COL1A2-related conditions. This variant is present in population databases (rs763398213, gnomAD 0.003%). This sequence change replaces isoleucine, which is neutral and non-polar, with methionine, which is neutral and non-polar, at codon 1211 of the COL1A2 protein (p.Ile1211Met).

NM_000089.4(COL1A2):c.3633C>G (p.Ile1211Met)

Gene: COL1A2 (collagen type I alpha 2 chain; plus strand). Cytogenetic location: 7q21.3.
Variant type: single nucleotide variant.
Coding change: c.3633C>G on transcript NM_000089.4 (MANE Select); coding-DNA position 3633, C replaced by G.
Protein change: p.Ile1211Met; replaces isoleucine 1211 with methionine.
Molecular consequence: missense variant.
Genome position (GRCh38, 1-based): chr7:94,428,399, C>G. VCF-style: chr7-94428399-C-G. GRCh37 (hg19) VCF-style: chr7-94057711-C-G.
Other names: short protein forms I1211M.
Identifiers: ClinVar variation 2953083 (VCV002953083.3), dbSNP rs763398213, ClinGen allele CA4347805.